The following is an entry in ClinVar:

ClinVar aggregate classification (germline): Conflicting classifications of pathogenicity. Review status: criteria provided, conflicting classifications (1 of 4 stars). 3 submissions from 3 submitters: Pathogenic (1); Likely pathogenic (1); Uncertain significance (1). Last evaluated 2025-06-06.

Conditions:
Osteogenesis imperfecta type I (OI1). Also called: OI, TYPE I; OSTEOGENESIS IMPERFECTA TARDA; OSTEOGENESIS IMPERFECTA WITH BLUE SCLERAE; Osteogenesis imperfecta type 1; Lobstein's Disease; Lobstein disease. Identifiers: Orphanet 216796, Orphanet 666, MedGen C0023931, MONDO:0008146, OMIM 166200. Disease mechanism: loss of function.
COL1A1-related disorder. Also called: COL1A1- related disease; COL1A1-related condition.

Submissions (3):

Labcorp Genetics (formerly Invitae), Labcorp
Classification: Pathogenic for Osteogenesis imperfecta type I. Last evaluated: 2025-06-06. Review status: criteria provided, single submitter. Criteria: Invitae Variant Classification Sherloc (09022015). Collection method: clinical testing. Allele origin: germline.
Comment: This sequence change falls in intron 25 of the COL1A1 gene. It does not directly change the encoded amino acid sequence of the COL1A1 protein. It affects a nucleotide within the consensus splice site. This variant is not present in population databases (gnomAD no frequency). This variant has been observed in individual(s) with clinical features of osteogenesis imperfecta (PMID: 28810924; internal data). Variants that disrupt the consensus splice site are a relatively common cause of aberrant splicing (PMID: 17576681, 9536098). Algorithms developed to predict the effect of sequence changes on RNA splicing suggest that this variant may disrupt the consensus splice site. This variant disrupts the c.1767+5G nucleotide in the COL1A1 gene. Other variant(s) that disrupt this nucleotide have been determined to be pathogenic (PMID: 17078022). This suggests that this nucleotide is clinically significant, and that variants that disrupt this position are likely to be disease-causing. For these reasons, this variant has been classified as Pathogenic.

3billion
Classification: Uncertain significance for COL1A1-related disorder. Last evaluated: 2025-01-24. Review status: criteria provided, single submitter. Criteria: ACMG Guidelines, 2015. Collection method: clinical testing. Allele origin: germline. Affected: yes.
Comment: The variant is not observed in the gnomAD v4.1.0 dataset. Predicted Consequence/Location: Intron variant In silico tools predict the variant to alter splicing and produce an abnormal transcript [SpliceAI: 0.95 (>=0.2, moderate evidence for spliceogenicity)]. Therefore, this variant is classified as VUS according to the recommendation of ACMG/AMP guideline.

Blueprint Genetics
Classification: Likely pathogenic for COL1A1-related disorders. Last evaluated: 2017-10-03. Review status: criteria provided, single submitter. Criteria: ACMG Guidelines, 2015. Collection method: clinical testing. Allele origin: germline. Affected: yes. Observed: 1 variant allele.

Literature cited by the submitters: PubMed 28810924 (cited by Labcorp Genetics (formerly Invitae), Labcorp and 3billion); PubMed 17576681 (cited by Labcorp Genetics (formerly Invitae), Labcorp); PubMed 9536098 (cited by Labcorp Genetics (formerly Invitae), Labcorp); PubMed 17078022 (cited by Labcorp Genetics (formerly Invitae), Labcorp).

NM_000088.4(COL1A1):c.1767+5G>A

Gene: COL1A1 (collagen type I alpha 1 chain; minus strand). Cytogenetic location: 17q21.33.
Variant type: single nucleotide variant.
Coding change: c.1767+5G>A on transcript NM_000088.4 (MANE Select); 5 bases into the intron after coding-DNA position 1767, G replaced by A.
Molecular consequence: intron variant.
Genome position (GRCh38, 1-based): chr17:50,193,938, C>T on the plus strand (G>A on the coding strand, the complement: COL1A1 is on the minus strand). VCF-style: chr17-50193938-C-T. GRCh37 (hg19) VCF-style: chr17-48271299-C-T.
Identifiers: ClinVar variation 4292668 (VCV004292668.3).